The following is an entry in ClinVar:

ClinVar aggregate classification (germline): Benign. Review status: criteria provided, multiple submitters, no conflicts (2 of 4 stars). 4 submissions from 4 submitters: Benign (4). Last evaluated 2025-11-21.

Conditions:
EPHX1-related disorder. Also called: EPHX1-related condition.

Allele frequency attached by ClinVar (database versions not stated): TOPMed 0.01802; 1000 Genomes Project 0.02057; 1000 Genomes Project 30x 0.02342; gnomAD 0.01565 and 0.01660; ESP Exome Variant Server 0.01768.
gnomAD v4.1: 4,948 of 1,613,426 alleles (0.31%); highest among the groups gnomAD compares: African/African-American, 5.4%; 134 homozygotes.

Submissions (4):

PreventionGenetics, part of Exact Sciences
Classification: Benign for EPHX1-related condition. Last evaluated: 2025-11-21. Review status: criteria provided, single submitter. Criteria: ACMG Guidelines, 2015. Collection method: clinical testing. Allele origin: germline.
Comment: This variant is classified as benign based on ACMG/AMP sequence variant interpretation guidelines (Richards et al. 2015 PMID: 25741868, with internal and published modifications).

GeneDx
Classification: Benign. Last evaluated: 2021-06-09. Review status: criteria provided, single submitter. Criteria: GeneDx Variant Classification Process June 2021. Collection method: clinical testing. Allele origin: germline. Affected: yes.

Labcorp Genetics (formerly Invitae), Labcorp
Classification: Benign. Last evaluated: 2018-08-16. Review status: criteria provided, single submitter. Criteria: Invitae Variant Classification Sherloc (09022015). Collection method: clinical testing. Allele origin: germline.

Breakthrough Genomics
Classification: Benign. Review status: criteria provided, single submitter. Criteria: ACMG Guidelines, 2015. Collection method: not provided. Allele origin: germline. Inheritance: Unknown mechanism. Affected: yes.

NM_001136018.4(EPHX1):c.1299G>A (p.Ala433=)

Genes: EPHX1 (epoxide hydrolase 1; plus strand), TMEM63A (transmembrane protein 63A; minus strand). Cytogenetic location: 1q42.12.
Variant type: single nucleotide variant.
Coding change: c.1299G>A on transcript NM_001136018.4 (MANE Select); coding-DNA position 1299, G replaced by A.
Protein change: p.Ala433=; no amino-acid change (alanine 433 retained).
Molecular consequence: synonymous variant. On other transcripts: non-coding transcript variant (4).
Genome position (GRCh38, 1-based): chr1:225,845,278, G>A. VCF-style: chr1-225845278-G-A. GRCh37 (hg19) VCF-style: chr1-226032979-G-A.
Other names: c.1299G>A, p.Ala433= (NM_000120.4, NM_001291163.2, NM_001378426.1 and 1 more transcripts); c.1272G>A, p.Ala424= (NM_001378428.1); c.1251G>A, p.Ala417= (NM_001378429.1, NM_001378430.1); c.1071G>A, p.Ala357= (NM_001378431.1); c.732G>A, p.Ala244= (NM_001378432.1).
Identifiers: ClinVar variation 780304 (VCV000780304.7), dbSNP rs45550332, ClinGen allele CA1418711.